The following is an entry in ClinVar:

NM_000281.4(PCBD1):c.259G>T (p.Glu87Ter)

Gene: PCBD1 (pterin-4 alpha-carbinolamine dehydratase 1; minus strand). Cytogenetic location: 10q22.1.
Variant type: single nucleotide variant.
Coding change: c.259G>T on transcript NM_000281.4 (MANE Select); coding-DNA position 259, G replaced by T.
Protein change: p.Glu87Ter; replaces glutamic acid 87 with a stop codon.
Molecular consequence: nonsense. On other transcripts: intron variant (1).
Genome position (GRCh38, 1-based): chr10:70,884,006, C>A on the plus strand (G>T on the coding strand, the complement: PCBD1 is on the minus strand). VCF-style: chr10-70884006-C-A. GRCh37 (hg19) VCF-style: chr10-72643763-C-A.
Other names: E86*; c.112G>T, p.Glu38Ter (NM_001289797.2); c.216+1146G>T (NM_001323004.2); short protein forms E87*, E38*.
Identifiers: ClinVar variation 16795 (VCV000016795.13), dbSNP rs104894172, ClinGen allele CA278135.

ClinVar aggregate classification (germline): Pathogenic/Likely pathogenic. Review status: criteria provided, multiple submitters, no conflicts (2 of 4 stars). 5 submissions from 5 submitters: Pathogenic (3); Likely pathogenic (1). 1 of the submissions does not count toward it. Last evaluated 2026-07-10.

Conditions:
PCBD1-related disorder. Also called: PCBD1-related condition.
Pterin-4 alpha-carbinolamine dehydratase 1 deficiency. Also called: CADH DEFICIENCY; Hyperphenylalaninemia due to dehydratase deficiency; HYPERPHENYLALANINEMIA WITH PRIMAPTERINURIA; HYPERPHENYLALANINEMIA, TETRAHYDROBIOPTERIN-DEFICIENT, DUE TO PTERIN-4-ALPHA-CARBINOLAMINE DEHYDRATASE DEFICIENCY. Identifiers: Orphanet 1578, Orphanet 238583, MedGen C1849700, MONDO:0009908, OMIM 264070.

Allele frequency attached by ClinVar (database versions not stated): ExAC 0.00006; gnomAD exomes 0.00007; gnomAD 0.00005; TOPMed 0.00005.
gnomAD v4.1: 74 of 1,614,008 alleles (0.0046%); highest among the groups gnomAD compares: Admixed American, 0.01%; no homozygotes.

Submissions (5):

PreventionGenetics, part of Exact Sciences
Classification: Pathogenic for PCBD1-related condition. Last evaluated: 2026-07-10. Review status: criteria provided, single submitter. Criteria: ACMG Guidelines, 2015. Collection method: clinical testing. Allele origin: germline.
Comment: The PCBD1 c.259G>T variant is predicted to result in premature protein termination (p.Glu87*). This variant was reported in patients with hyperphenylalaninemia (Citron et al. 1993. PubMed ID: 8352282; reported as p.Glu86* in Ferrè et al. 2013. PubMed ID: 24204001) and early onset diabetes (Simaite et al. 2014. PubMed ID: 24848070). This variant is reported in 0.13% of alleles in individuals of Ashkenazi Jewish descent in gnomAD. Nonsense variants in PCBD1 are expected to be pathogenic. This variant is interpreted as pathogenic.

Labcorp Genetics (formerly Invitae), Labcorp
Classification: Pathogenic for Pterin-4 alpha-carbinolamine dehydratase 1 deficiency. Last evaluated: 2026-01-18. Review status: criteria provided, single submitter. Criteria: Invitae Variant Classification Sherloc (09022015). Collection method: clinical testing. Allele origin: germline.
Comment: This sequence change creates a premature translational stop signal (p.Glu87*) in the PCBD1 gene. While this is not anticipated to result in nonsense mediated decay, it is expected to disrupt the last 18 amino acid(s) of the PCBD1 protein. This variant is present in population databases (rs104894172, gnomAD 0.1%). This premature translational stop signal has been observed in individual(s) with clinical features of biopterin deficient hyperphenylalanemia (PMID: 8352282, 9585615). This variant is also known as E86X . ClinVar contains an entry for this variant (Variation ID: 16795). Algorithms developed to predict the effect of variants on gene product structure and function are not available or were not evaluated for this variant. Experimental studies have shown that this premature translational stop signal affects PCBD1 function (PMID: 8618906). Algorithms developed to predict the effect of sequence changes on RNA splicing suggest that this variant may disrupt the consensus splice site. This variant disrupts a region of the PCBD1 protein in which other variant(s) (p.Gln98*) have been determined to be pathogenic (PMID: 24204001). This suggests that this is a clinically significant region of the protein, and that variants that disrupt it are likely to be disease-causing. For these reasons, this variant has been classified as Pathogenic.

Fulgent Genetics
Classification: Pathogenic for Pterin-4 alpha-carbinolamine dehydratase 1 deficiency. Last evaluated: 2024-01-22. Review status: criteria provided, single submitter. Criteria: ACMG Guidelines, 2015. Collection method: clinical testing. Allele origin: germline.

Illumina Laboratory Services, Illumina
Classification: Likely pathogenic for Pterin-4 alpha-carbinolamine dehydratase 1 deficiency. Last evaluated: 2017-04-28. Review status: criteria provided, single submitter. Criteria: ICSL Variant Classification Criteria 09 May 2019. Collection method: clinical testing. Allele origin: germline.
Comment: The PCBD1 c.259G>T (p.Glu87Ter) variant is a stop-gained variant that is predicted to result in premature termination of the protein. This variant has been reported in at least two studies in which it is found in a total of three individuals with BH4-deficient hyperphenylalaninemia, including two siblings of Ashkenazi Jewish descent who were homozygous for the variant and another individual who was compound heterozygous for the variant and a missense variant (Citron et al. 1993; ThÃ¶ny et al. 1998). The p.Glu87Ter variant was found in a heterozygous state in both unaffected parents of the homozygous siblings and in the unaffected father of the compound heterozygote. The variant was also found in a heterozygous state in a centenarian from a longevity study (Freudenberg-Hua et al. 2014). Control data are unavailable for this variant, which is reported at a frequency of 0.00008 in the European (non-Finnish) population of the Exome Aggregation Consortium. Expression of the p.Glu87Ter variant in cell lines revealed little to no residual dehydratase activity, with most of the protein found in the insoluble fraction and no detectable PCBD1 protein. The residual mutant protein was still able to bind substrate with a Km that did not significantly differ from wild type (Johnen et al. 1995; ThÃ¶ny et al. 1998; FerrÃ¨ et al. 2014). Based on the evidence and the potential impact of stop-gained variants, the p.Glu87Ter variant is classified as likely pathogenic for BH4-deficient hyperphenylalaninemia. This variant was observed by ICSL as part of a predisposition screen in an ostensibly healthy population.

OMIM
Classification: Pathogenic for HYPERPHENYLALANINEMIA, BH4-DEFICIENT, D. Last evaluated: 1998-06-01. Review status: no assertion criteria provided. Collection method: literature only. Allele origin: germline. Not counted in ClinVar's aggregate classification.

Literature cited by the submitters: PubMed 8352282 (cited by 3 submitters); PubMed 9585615 (cited by 3 submitters); PubMed 8618906 (cited by 3 submitters); PubMed 24204001 (cited by Labcorp Genetics (formerly Invitae), Labcorp and Illumina Laboratory Services, Illumina); PubMed 25333069 (cited by Illumina Laboratory Services, Illumina).